The following is an entry in ClinVar:

NM_182925.5(FLT4):c.372G>A (p.Thr124=)

Gene: FLT4 (fms related receptor tyrosine kinase 4; minus strand). Cytogenetic location: 5q35.3.
Variant type: single nucleotide variant.
Coding change: c.372G>A on transcript NM_182925.5 (MANE Select); coding-DNA position 372, G replaced by A.
Protein change: p.Thr124=; no amino-acid change (threonine 124 retained).
Molecular consequence: synonymous variant.
Genome position (GRCh38, 1-based): chr5:180,630,583, C>T on the plus strand (G>A on the coding strand, the complement: FLT4 is on the minus strand). VCF-style: chr5-180630583-C-T. GRCh37 (hg19) VCF-style: chr5-180057583-C-T.
Other names: c.372G>A, p.Thr124= (NM_001354989.2, NM_002020.5).
Identifiers: ClinVar variation 4534047 (VCV004534047.6).

ClinVar aggregate classification (germline): Likely benign (1 of 4 stars; one submission).

gnomAD v4.1: 26 of 1,612,972 alleles (0.0016%); highest among the groups gnomAD compares: African/African-American, 0.0093%; no homozygotes.

Submission:

CeGaT Center for Human Genetics Tuebingen
Classification: Likely benign. Last evaluated: 2025-11-01. Review status: criteria provided, single submitter. Criteria: CeGaT Center For Human Genetics Tuebingen Variant Classification Criteria Version 2. Collection method: clinical testing. Allele origin: germline. Affected: yes. Observed: 1 variant allele.
Comment: FLT4: BP4, BP7